The following is an entry in ClinVar:

NM_032608.7(MYO18B):c.1947_1949delinsGGG (p.Asn649_Gln650delinsLysGly)

Gene: MYO18B (myosin XVIIIB; plus strand). Cytogenetic location: 22q12.1.
Variant type: Indel.
Coding change: c.1947_1949delinsGGG on transcript NM_032608.7 (MANE Select); coding-DNA positions 1947 to 1949, CCA replaced by GGG.
Protein change: p.Asn649_Gln650delinsLysGly.
Molecular consequence: missense variant.
Genome position (GRCh38, 1-based): chr22:25,777,660-25,777,662, CCA replaced by GGG. VCF-style: chr22-25777660-CCA-GGG. GRCh37 (hg19) VCF-style: chr22-26173627-CCA-GGG.
Other names: c.1947_1949delinsGGG, p.Asn649_Gln650delinsLysGly (NM_001318245.2).
Identifiers: ClinVar variation 3375533 (VCV003375533.1).
Genomic context (GRCh38, chr22:25,777,660, plus strand): 5'-GGATGGCCTGCCTGCCCACATTGGCTCCATGGCACAGCGGGCATACTGGGCGCTGCTGAA[CCA>GGG]GCGGAGAGACCAGAGCATTGTGGCCCTGGGCTGGAGTGGCGCTGGGAAGACCACCTGCTG-3'

ClinVar aggregate classification (germline): Uncertain significance (1 of 4 stars; one submission).

Submission:

GeneDx
Classification: Uncertain significance. Last evaluated: 2024-05-08. Review status: criteria provided, single submitter. Criteria: GeneDx Variant Classification Process June 2021. Collection method: clinical testing. Allele origin: germline. Affected: yes.
Comment: Not observed at significant frequency in large population cohorts (gnomAD); In silico analysis supports a deleterious effect on protein structure/function; Has not been previously published as pathogenic or benign to our knowledge